The following is an entry in ClinVar:

NM_022114.4(PRDM16):c.3692del (p.Asn1231fs)

Gene: PRDM16 (PR/SET domain 16; plus strand). Cytogenetic location: 1p36.32.
Variant type: Deletion.
Coding change: c.3692del on transcript NM_022114.4 (MANE Select); coding-DNA position 3692, one base deleted (A; older notation c.3692delA).
Protein change: p.Asn1231fs; shifts the reading frame from asparagine 1231.
Molecular consequence: frameshift variant.
Genome position (GRCh38, 1-based): chr1:3,432,136, A deleted; the last of 2 consecutive A bases (chr1:3,432,135-3,432,136); deleting either gives the same sequence. VCF-style (leftmost placement, unchanged base first): chr1-3432134-GA-G. GRCh37 (hg19) VCF-style: chr1-3348698-GA-G.
Other names: c.3692del, p.Asn1231fs (NM_199454.3); short protein forms N1231fs.
Identifiers: ClinVar variation 2578113 (VCV002578113.1), dbSNP rs2523979004, ClinGen allele CA2580617601.

ClinVar aggregate classification (germline): Uncertain significance (1 of 4 stars; one submission).

Submission:

GeneDx
Classification: Uncertain significance. Last evaluated: 2023-02-22. Review status: criteria provided, single submitter. Criteria: GeneDx Variant Classification Process June 2021. Collection method: clinical testing. Allele origin: germline. Affected: yes.
Comment: Not observed at significant frequency in large population cohorts (gnomAD); Frameshift variant predicted to result in protein truncation as the last 46 amino acids are replaced with 5 different amino acids, although loss-of-function variants have not been reported downstream of this position in the protein; Has not been previously published as pathogenic or benign to our knowledge